The following is an entry in ClinVar:

NM_006231.4(POLE):c.1552_1553dup (p.Asn518fs)

Gene: POLE (DNA polymerase epsilon, catalytic subunit; minus strand). Cytogenetic location: 12q24.33.
Variant type: Duplication.
Coding change: c.1552_1553dup on transcript NM_006231.4 (MANE Select); coding-DNA positions 1552 to 1553, 2 bases duplicated (AA; older notation c.1552_1553dupAA).
Protein change: p.Asn518fs; shifts the reading frame from asparagine 518.
Molecular consequence: frameshift variant.
Genome position (GRCh38, 1-based): chr12:132,672,760-132,672,761, TT duplicated on the plus strand (AA on the coding strand, the reverse complement: POLE is on the minus strand). VCF-style (leftmost placement, unchanged base first): chr12-132672759-G-GTT. GRCh37 (hg19) VCF-style: chr12-133249345-G-GTT.
Other names: short protein forms N518fs.
Identifiers: ClinVar variation 2018916 (VCV002018916.4), dbSNP rs2542135635, ClinGen allele CA2580086014.

ClinVar aggregate classification (germline): Pathogenic (1 of 4 stars; one submission).

Submission:

Labcorp Genetics (formerly Invitae), Labcorp
Classification: Pathogenic. Last evaluated: 2022-07-22. Review status: criteria provided, single submitter. Criteria: Invitae Variant Classification Sherloc (09022015). Collection method: clinical testing. Allele origin: germline.
Comment: For these reasons, this variant has been classified as Pathogenic. This variant has not been reported in the literature in individuals affected with POLE-related conditions. This variant is not present in population databases (gnomAD no frequency). This sequence change creates a premature translational stop signal (p.Asn518Lysfs*11) in the POLE gene. It is expected to result in an absent or disrupted protein product. Loss-of-function variants in POLE are known to be pathogenic (PMID: 23230001, 25948378, 30503519).

Literature cited by the submitters: PubMed 23230001; PubMed 25948378; PubMed 30503519.